The following is an entry in ClinVar:

NM_006214.4(PHYH):c.733_734delinsTA (p.Arg245Ter)

Gene: PHYH (phytanoyl-CoA 2-hydroxylase; minus strand). Cytogenetic location: 10p13.
Variant type: Indel.
Coding change: c.733_734delinsTA on transcript NM_006214.4 (MANE Select); coding-DNA positions 733 to 734, CG replaced by TA.
Protein change: p.Arg245Ter; replaces arginine 245 with a stop codon.
Molecular consequence: nonsense.
Genome position (GRCh38, 1-based): chr10:13,283,784-13,283,785, CG replaced by TA on the plus strand (CG replaced by TA on the coding strand, the reverse complement: PHYH is on the minus strand). VCF-style: chr10-13283784-CG-TA. GRCh37 (hg19) VCF-style: chr10-13325784-CG-TA.
Other names: c.433_434delinsTA, p.Arg145Ter (NM_001037537.2, NM_001323080.2); c.739_740delinsTA, p.Arg247Ter (NM_001323082.2); c.469_470delinsTA, p.Arg157Ter (NM_001323083.2); c.439_440delinsTA, p.Arg147Ter (NM_001323084.2); short protein forms R247*, R147*, R245*, R145*, R157*.
Identifiers: ClinVar variation 2840913 (VCV002840913.3), dbSNP rs2538635081, ClinGen allele CA2739265289.

ClinVar aggregate classification (germline): Pathogenic (1 of 4 stars; one submission).

Submission:

Labcorp Genetics (formerly Invitae), Labcorp
Classification: Pathogenic. Last evaluated: 2023-02-26. Review status: criteria provided, single submitter. Criteria: Invitae Variant Classification Sherloc (09022015). Collection method: clinical testing. Allele origin: germline.
Comment: The frequency data for this variant in the population databases is considered unreliable, as metrics indicate poor data quality at this position in the gnomAD database. For these reasons, this variant has been classified as Pathogenic. This variant has not been reported in the literature in individuals affected with PHYH-related conditions. This sequence change creates a premature translational stop signal (p.Arg245*) in the PHYH gene. It is expected to result in an absent or disrupted protein product. Loss-of-function variants in PHYH are known to be pathogenic (PMID: 9326940, 14974078).

Literature cited by the submitters: PubMed 9326940; PubMed 14974078.